The following is an entry in ClinVar:

ClinVar aggregate classification (germline): Pathogenic. Review status: criteria provided, multiple submitters, no conflicts (2 of 4 stars). 2 submissions from 2 submitters: Pathogenic (2). Last evaluated 2025-06-20.

Conditions:
Retinitis pigmentosa 25 (RP25). Identifiers: Orphanet 791, MedGen C1864446, MONDO:0011272, OMIM 602772.

Submissions (2):

Natera, Inc.
Classification: Pathogenic for Retinitis pigmentosa type 25. Last evaluated: 2025-06-20. Review status: criteria provided, single submitter. Criteria: Natera Variant Classification Schema (03/2026). Collection method: clinical testing. Allele origin: germline.
Comment: The c.5928del variant in EYS is a frameshift variant predicted to shift the reading frame beginning at codon 1976 and leads to a stop codon 11 codons downstream. This variant is expected to result in nonsense mediated decay, truncation, or a dysfunctional protein product. This variant is rare in the general population with a frequency below the threshold expected for the associated phenotype(s). This variant has been observed in one or more individuals affected with the associated recessive disease, as either homozygous or compound heterozygous with a second variant (PMID: 29550188). Given the available evidence, this variant is classified as Pathogenic.

Baylor Genetics
Classification: Pathogenic for Retinitis pigmentosa 25. Last evaluated: 2022-08-20. Review status: criteria provided, single submitter. Criteria: ACMG Guidelines, 2015. Collection method: clinical testing. Allele origin: unknown.

Literature cited by the submitters: PubMed 29550188 (cited by Natera, Inc.).

NM_001142800.2(EYS):c.5928del

Gene: EYS (EGF-like photoreceptor maintenance factor; minus strand). Cytogenetic location: 6q12.
Variant type: Deletion.
Coding change: c.5928del on transcript NM_001142800.2 (MANE Select); coding-DNA position 5928, one base deleted (G; older notation c.5928delG).
Genome position (GRCh38, 1-based): chr6:64,388,840, C deleted on the plus strand (G on the coding strand, the reverse complement: EYS is on the minus strand); the first of 2 consecutive C bases (chr6:64,388,840-64,388,841); deleting either gives the same sequence. VCF-style (leftmost placement, unchanged base first): chr6-64388839-GC-G. GRCh37 (hg19) VCF-style: chr6-65098732-GC-G.
Other names: c.5928del (NM_001142800.1).
Identifiers: ClinVar variation 2675317 (VCV002675317.2), dbSNP rs2533088748, ClinGen allele CA2679303082.